The following is an entry in ClinVar:

NM_003062.4(SLIT3):c.1464C>T (p.Ser488=)

Gene: SLIT3 (slit guidance ligand 3; minus strand). Cytogenetic location: 5q34.
Variant type: single nucleotide variant.
Coding change: c.1464C>T on transcript NM_003062.4 (MANE Select); coding-DNA position 1464, C replaced by T.
Protein change: p.Ser488=; no amino-acid change (serine 488 retained).
Molecular consequence: synonymous variant.
Genome position (GRCh38, 1-based): chr5:168,762,685, G>A on the plus strand (C>T on the coding strand, the complement: SLIT3 is on the minus strand). VCF-style: chr5-168762685-G-A. GRCh37 (hg19) VCF-style: chr5-168189690-G-A.
Other names: c.1464C>T, p.Ser488= (NM_001271946.2).
Identifiers: ClinVar variation 2656061 (VCV002656061.24), dbSNP rs774418931, ClinGen allele CA3551632.
Genomic context (GRCh38, chr5:168,762,685, plus strand): 5'-CTTCTCGGGGCACACGAGGTCCATGAAGCACTCGCTGCTGAACCTGCTGCGGTAATCCTC[G>A]GAGCCTGGGAGGGGCCAAAGAGGGGACGTCAGCGTCACCCGAGTTCCACGCACAGCCCCA-3'
Protein context (NP_003053.2, residues 478-498): IKSKKFRCSG[Ser488=]EDYRSRFSSE

ClinVar aggregate classification (germline): Likely benign (1 of 4 stars; one submission).

Allele frequency attached by ClinVar (database versions not stated): TOPMed 0.00001; ExAC 0.00003; gnomAD 0.00007.
gnomAD v4.1: 47 of 1,613,208 alleles (0.0029%); highest among the groups gnomAD compares: South Asian, 0.0099%; no homozygotes.

Submission:

CeGaT Center for Human Genetics Tuebingen
Classification: Likely benign. Last evaluated: 2022-11-01. Review status: criteria provided, single submitter. Criteria: CeGaT Center For Human Genetics Tuebingen Variant Classification Criteria Version 2. Collection method: clinical testing. Allele origin: germline. Affected: yes. Observed: 1 variant allele.
Comment: SLIT3: BP4, BP7